The following is an entry in ClinVar:

ClinVar aggregate classification (germline): Uncertain significance (1 of 4 stars; one submission).

Allele frequency attached by ClinVar (database versions not stated): gnomAD exomes below 0.00001; ExAC 0.00001.
gnomAD v4.1: 1 of 772,302 alleles (0.00013%); highest among the groups gnomAD compares: Non-Finnish European, 0.00024%; no homozygotes.

Submission:

Labcorp Genetics (formerly Invitae), Labcorp
Classification: Uncertain significance. Last evaluated: 2021-06-06. Review status: criteria provided, single submitter. Criteria: Invitae Variant Classification Sherloc (09022015). Collection method: clinical testing. Allele origin: germline.
Comment: This sequence change replaces histidine with tyrosine at codon 1231 of the ANKS1B protein (p.His1231Tyr). The histidine residue is weakly conserved and there is a moderate physicochemical difference between histidine and tyrosine. This variant is present in population databases (rs758073552, ExAC 0.002%). In summary, the available evidence is currently insufficient to determine the role of this variant in disease. Therefore, it has been classified as a Variant of Uncertain Significance. Algorithms developed to predict the effect of missense changes on protein structure and function output the following: SIFT: "Deleterious"; PolyPhen-2: "Benign"; Align-GVGD: "Class C0". The tyrosine amino acid residue is found in multiple mammalian species, suggesting that this missense change does not adversely affect protein function. These predictions have not been confirmed by published functional studies and their clinical significance is uncertain. This variant has not been reported in the literature in individuals with ANKS1B-related conditions.

NC_000012.12:g.98735616G>A

Gene: ANKS1B (ankyrin repeat and sterile alpha motif domain containing 1B; minus strand). Cytogenetic location: 12q23.1.
Variant type: single nucleotide variant.
Molecular consequence: missense variant (on NM_001204081.2).
Genome position: GRCh38 VCF-style: chr12-98735616-G-A. GRCh37 (hg19) VCF-style: chr12-99129394-G-A.
Other names: c.709C>T, p.His237Tyr (NM_001204081.2); c.1441C>T, p.His481Tyr (NM_001352196.2); c.1369C>T, p.His457Tyr (NM_001352197.2); c.484C>T, p.His162Tyr (NM_001352213.2, NM_001352214.2, NM_001352216.2); c.784C>T, p.His262Tyr (NM_001352223.2); c.1189C>T, p.His397Tyr (NM_020140.4); c.3691C>T, p.His1231Tyr (NM_152788.4); short protein forms H457Y, H162Y, H237Y, H397Y, H1231Y, H262Y, H481Y.
Identifiers: ClinVar variation 1386926 (VCV001386926.7), dbSNP rs758073552, ClinGen allele CA6734649.